The following is an entry in ClinVar:

NM_000186.4(CFH):c.3404A>T (p.Glu1135Val)

Gene: CFH (complement factor H; plus strand). Cytogenetic location: 1q31.3.
Variant type: single nucleotide variant.
Coding change: c.3404A>T on transcript NM_000186.4 (MANE Select); coding-DNA position 3404, A replaced by T.
Protein change: p.Glu1135Val; replaces glutamic acid 1135 with valine.
Molecular consequence: missense variant.
Genome position (GRCh38, 1-based): chr1:196,745,910, A>T. VCF-style: chr1-196745910-A-T. GRCh37 (hg19) VCF-style: chr1-196715040-A-T.
Other names: short protein forms E1135V.
Identifiers: ClinVar variation 1475788 (VCV001475788.6), dbSNP rs2149118040, ClinGen allele CA343985572.

ClinVar aggregate classification (germline): Uncertain significance (1 of 4 stars; one submission).

Submission:

Labcorp Genetics (formerly Invitae), Labcorp
Classification: Uncertain significance. Last evaluated: 2025-11-17. Review status: criteria provided, single submitter. Criteria: Invitae Variant Classification Sherloc (09022015). Collection method: clinical testing. Allele origin: germline.
Comment: This sequence change replaces glutamic acid, which is acidic and polar, with valine, which is neutral and non-polar, at codon 1135 of the CFH protein (p.Glu1135Val). This variant is not present in population databases (gnomAD no frequency). This variant has not been reported in the literature in individuals affected with CFH-related conditions. ClinVar contains an entry for this variant (Variation ID: 1475788). An algorithm developed to predict the effect of missense changes on protein structure and function (PolyPhen-2) suggests that this variant is likely to be disruptive. In summary, the available evidence is currently insufficient to determine the role of this variant in disease. Therefore, it has been classified as a Variant of Uncertain Significance.